The following is an entry in ClinVar:

ClinVar aggregate classification (germline): Pathogenic. Review status: criteria provided, single submitter (1 of 4 stars). 2 submissions from 2 submitters: Pathogenic (1). 1 of the submissions does not count toward it. Last evaluated 2019-05-28.

Conditions:
Ornithine carbamoyltransferase deficiency (OTCD). Also called: ORNITHINE TRANSCARBAMYLASE DEFICIENCY, HYPERAMMONEMIA DUE TO; ORNITHINE TRANSCARBAMYLASE DEFICIENCY; OTC DEFICIENCY; Ornithine Carbamoyltransferase Deficiency Disease. Identifiers: Orphanet 664, MedGen C0268542, MONDO:0010703, OMIM 311250.

Submissions (2):

Mendelics
Classification: Pathogenic for Ornithine carbamoyltransferase deficiency. Last evaluated: 2019-05-28. Review status: criteria provided, single submitter. Criteria: Mendelics Assertion Criteria 2017. Collection method: clinical testing. Allele origin: unknown.

GenMed Metabolism Lab
Classification: Pathogenic. Review status: no assertion criteria provided. Collection method: not provided. Allele origin: unknown. Not counted in ClinVar's aggregate classification.
Comment: p.Asp136Val, Late
ClinVar note: Converted during submission from pathogenic to Pathogenic.

NM_000531.6(OTC):c.407A>T (p.Asp136Val)

Gene: OTC (ornithine transcarbamylase; plus strand). Cytogenetic location: Xp11.4.
Variant type: single nucleotide variant.
Coding change: c.407A>T on transcript NM_000531.6 (MANE Select); coding-DNA position 407, A replaced by T.
Protein change: p.Asp136Val; replaces aspartic acid 136 with valine.
Molecular consequence: missense variant.
Genome position (GRCh38, 1-based): chrX:38,401,295, A>T. VCF-style: chrX-38401295-A-T. GRCh37 (hg19) VCF-style: chrX-38260548-A-T.
Other names: short protein forms D136V.
Identifiers: ClinVar variation 97192 (VCV000097192.3), dbSNP rs72556257, ClinGen allele CA224589.